The following is an entry in ClinVar:

ClinVar aggregate classification (germline): Uncertain significance. Review status: criteria provided, single submitter (1 of 4 stars). 3 submissions from 3 submitters: Uncertain significance (1). 2 of the submissions do not count toward it. Last evaluated 2018-11-09.

Conditions:
beta Thalassemia (BTHAL). Also called: Cooley's anemia; Erythroblastic anemia; Mediterranean anemia. Identifiers: Orphanet 848, MedGen C0005283, MONDO:0019402. Disease mechanism: loss of function.
HEMOGLOBIN HIMEJI.

Submissions (3):

ARUP Laboratories, Molecular Genetics and Genomics, ARUP Laboratories
Classification: Uncertain significance. Last evaluated: 2018-11-09. Review status: criteria provided, single submitter. Criteria: ARUP Molecular Germline Variant Investigation Process. Collection method: clinical testing. Allele origin: germline.
Comment: The HBB c.422C>A; Ala140Asp variant (rs33927093), also known as Hb Himeji, has been reported in the heterozygous state in individuals with no clinical symptoms (HbVar database and references therein). However, its phenotype when found with other pathogenic globin variants is unknown, and the reported percentage of Hb X by hemoglobin electrophoresis in the presence of Hb Himeji ranges from 21-44% (HbVar database, Martins 1989, Ohba 1986), so this structural variant may be unstable. This variant is listed in ClinVar (Variation ID: 15197), but is absent from general population databases (1000 Genomes Project, Exome Variant Server, Genome Aggregation Database), indicating it is not a common polymorphism. The alanine at residue 140 is highly conserved, and computational algorithms (SIFT, PolyPhen-2) predict that this variant is deleterious. Additionally, other variants at this codon (c.421G>A, p.Ala140Thr, Hb Saint-Jacques; c.422C>T, p.Ala140Val, Hb Puttelange) have been reported the heterozygous state in individuals with erythrocytosis (HbVar database and references therein). Due to limited information, the clinical significance of the Hb Himeji variant is uncertain at this time. References: Link to HbVar database for Hb Himeji: Link to HbVar database for Hb Saint-Jacques: Link to HbVar database for Hb Puttelange: Martins MC et al. Hb Himeji or alpha 2 beta 2(140)(H18)Ala----Asp in a Portuguese family. Hemoglobin. 1989;13(4):411-5. Ohba Y et al. Hb Himeji or beta 140 (H18) Ala----Asp. A slightly unstable hemoglobin with increased beta N-terminal glycation. Hemoglobin. 1986;10(2):109-25.

Natera, Inc.
Classification: Uncertain significance for Beta thalassemia. Last evaluated: 2020-09-16. Review status: no assertion criteria provided. Collection method: clinical testing. Allele origin: germline. Not counted in ClinVar's aggregate classification.

OMIM
Classification: other for HEMOGLOBIN HIMEJI. Last evaluated: 2017-12-12. Review status: no assertion criteria provided. Collection method: literature only. Allele origin: germline. Not counted in ClinVar's aggregate classification.

Literature cited by the submitters: PubMed 3754244 (cited by OMIM).

NM_000518.4(HBB):c.422C>A (p.Ala141Asp)

Genes: HBB (hemoglobin subunit beta; minus strand), LOC107133510 (origin of replication at HBB; plus strand), LOC110006319 (beta-globin gene 3' regulatory region; plus strand). Cytogenetic location: 11p15.4.
Variant type: single nucleotide variant.
Coding change: c.422C>A on transcript NM_000518.4; coding-DNA position 422, C replaced by A.
Protein change: p.Ala141Asp; replaces alanine 141 with aspartic acid.
Molecular consequence: missense variant (on NM_000518.5).
Genome position (GRCh38, 1-based): chr11:5,225,620, G>T on the plus strand (C>A on the coding strand, the complement: HBB is on the minus strand). VCF-style: chr11-5225620-G-T. GRCh37 (hg19) VCF-style: chr11-5246850-G-T.
Other names: A140D; c.422C>A, p.Ala141Asp (NM_000518.5); short protein forms A141D.
Identifiers: ClinVar variation 15197 (VCV000015197.11), dbSNP rs33927093, ClinGen allele CA124904.
Genomic context (GRCh38, chr11:5,225,620, plus strand): 5'-GGAACCTTTAATAGAAATTGGACAGCAAGAAAGCGAGCTTAGTGATACTTGTGGGCCAGG[G>T]CATTAGCCACACCAGCCACCACTTTCTGATAGGCAGCCTGCACTGGTGGGGTGAATTCTT-3'
Protein context (NP_000509.1, residues 131-147): YQKVVAGVAN[Ala141Asp]LAHKYH